The following is an entry in ClinVar:

NM_032608.7(MYO18B):c.4246C>T (p.Arg1416Trp)

Gene: MYO18B (myosin XVIIIB; plus strand). Cytogenetic location: 22q12.1.
Variant type: single nucleotide variant.
Coding change: c.4246C>T on transcript NM_032608.7 (MANE Select); coding-DNA position 4246, C replaced by T.
Protein change: p.Arg1416Trp; replaces arginine 1416 with tryptophan.
Molecular consequence: missense variant.
Genome position (GRCh38, 1-based): chr22:25,877,980, C>T. VCF-style: chr22-25877980-C-T. GRCh37 (hg19) VCF-style: chr22-26273947-C-T.
Other names: c.4249C>T, p.Arg1417Trp (NM_001318245.2); c.4246C>T (NM_032608.5); short protein forms R1416W, R1417W.
Identifiers: ClinVar variation 1489858 (VCV001489858.6), dbSNP rs755814896, ClinGen allele CA10160820.

ClinVar aggregate classification (germline): Uncertain significance. Review status: criteria provided, multiple submitters, no conflicts (2 of 4 stars). 2 submissions from 2 submitters: Uncertain significance (2). Last evaluated 2024-04-10.

Allele frequency attached by ClinVar (database versions not stated): ExAC 0.00003.
gnomAD v4.1: 28 of 1,579,160 alleles (0.0018%); highest among the groups gnomAD compares: East Asian, 0.021%; no homozygotes.

Submissions (2):

GeneDx
Classification: Uncertain significance. Last evaluated: 2024-04-10. Review status: criteria provided, single submitter. Criteria: GeneDx Variant Classification Process June 2021. Collection method: clinical testing. Allele origin: germline. Affected: yes.
Comment: In silico analysis supports that this missense variant has a deleterious effect on protein structure/function; Has not been previously published as pathogenic or benign to our knowledge

Labcorp Genetics (formerly Invitae), Labcorp
Classification: Uncertain significance. Last evaluated: 2022-07-30. Review status: criteria provided, single submitter. Criteria: Invitae Variant Classification Sherloc (09022015). Collection method: clinical testing. Allele origin: germline.
Comment: This sequence change replaces arginine, which is basic and polar, with tryptophan, which is neutral and slightly polar, at codon 1416 of the MYO18B protein (p.Arg1416Trp). The frequency data for this variant in the population databases is considered unreliable, as metrics indicate poor data quality at this position in the gnomAD database. This variant has not been reported in the literature in individuals affected with MYO18B-related conditions. ClinVar contains an entry for this variant (Variation ID: 1489858). Algorithms developed to predict the effect of missense changes on protein structure and function are either unavailable or do not agree on the potential impact of this missense change (SIFT: "Not Available"; PolyPhen-2: "Benign"; Align-GVGD: "Not Available"). In summary, the available evidence is currently insufficient to determine the role of this variant in disease. Therefore, it has been classified as a Variant of Uncertain Significance.